The following is an entry in ClinVar:

NM_013275.6(ANKRD11):c.6817G>A (p.Gly2273Ser)

Gene: ANKRD11 (ankyrin repeat domain 11; minus strand). Cytogenetic location: 16q24.3.
Variant type: single nucleotide variant.
Coding change: c.6817G>A on transcript NM_013275.6 (MANE Select); coding-DNA position 6817, G replaced by A.
Protein change: p.Gly2273Ser; replaces glycine 2273 with serine.
Molecular consequence: missense variant.
Genome position (GRCh38, 1-based): chr16:89,279,725, C>T on the plus strand (G>A on the coding strand, the complement: ANKRD11 is on the minus strand). VCF-style: chr16-89279725-C-T. GRCh37 (hg19) VCF-style: chr16-89346133-C-T.
Other names: c.6817G>A, p.Gly2273Ser (NM_001256182.2, NM_001256183.2); c.6817G>A (NM_013275.4); short protein forms G2273S.
Identifiers: ClinVar variation 3031957 (VCV003031957.5), dbSNP rs767106606, ClinGen allele CA8241328.
Genomic context (GRCh38, chr16:89,279,725, plus strand): 5'-CGTCCTCGGGGCCGGCACCGTCTGCGGCCTGAGCTTGTGCCACAGTGTTCGGGGCGGGGC[C>T]GTCAGGGGCACAGAGGGACGCGGCGGGGGGGCCTTCAGCCTCAGCCCCCTGGTCTCCGCT-3'
Protein context (NP_037407.4, residues 2263-2283): PPAASLCAPD[Gly2273Ser]PAPNTVAQAQ

ClinVar aggregate classification (germline): Uncertain significance. Review status: criteria provided, multiple submitters, no conflicts (2 of 4 stars). 3 submissions from 3 submitters: Uncertain significance (2). 1 of the submissions does not count toward it. Last evaluated 2026-01-24.

Conditions:
KBG syndrome (KBGS). Also called: ANKRD11-Related KBG Syndrome. Identifiers: Orphanet 2332, MedGen C0220687, MONDO:0007846, OMIM 148050.
Inborn genetic diseases. Identifiers: MedGen C0950123, MeSH D030342.
ANKRD11-related disorder. Also called: ANKRD11-related condition.

Allele frequency attached by ClinVar (database versions not stated): gnomAD exomes 0.00001; gnomAD 0.00003; TOPMed 0.00003; ExAC 0.00009.
gnomAD v4.1: 11 of 1,536,546 alleles (0.00072%); highest among the groups gnomAD compares: Admixed American, 0.0097%; no homozygotes.

Submissions (3):

Labcorp Genetics (formerly Invitae), Labcorp
Classification: Uncertain significance for KBG syndrome. Last evaluated: 2026-01-24. Review status: criteria provided, single submitter. Criteria: Invitae Variant Classification Sherloc (09022015). Collection method: clinical testing. Allele origin: germline.
Comment: This sequence change replaces glycine, which is neutral and non-polar, with serine, which is neutral and polar, at codon 2273 of the ANKRD11 protein (p.Gly2273Ser). The frequency data for this variant in the population databases is considered unreliable, as metrics indicate poor data quality at this position in the gnomAD database. This variant has not been reported in the literature in individuals affected with ANKRD11-related conditions. ClinVar contains an entry for this variant (Variation ID: 3031957). Invitae Evidence Modeling of protein sequence and biophysical properties (such as structural, functional, and spatial information, amino acid conservation, physicochemical variation, residue mobility, and thermodynamic stability) indicates that this missense variant is not expected to disrupt ANKRD11 protein function with a negative predictive value of 95%. In summary, the available evidence is currently insufficient to determine the role of this variant in disease. Therefore, it has been classified as a Variant of Uncertain Significance.

Ambry Genetics
Classification: Uncertain significance for Inborn genetic diseases. Last evaluated: 2025-05-07. Review status: criteria provided, single submitter. Criteria: Ambry Variant Classification Scheme 2023. Collection method: clinical testing. Allele origin: germline.

PreventionGenetics, part of Exact Sciences
Classification: Uncertain significance for ANKRD11-related condition. Last evaluated: 2024-03-13. Review status: no assertion criteria provided. Collection method: clinical testing. Allele origin: germline. Not counted in ClinVar's aggregate classification.
Comment: The ANKRD11 c.6817G>A variant is predicted to result in the amino acid substitution p.Gly2273Ser. To our knowledge, this variant has not been reported in the literature. This variant is reported in 0.0038% of alleles in individuals of Latino descent in gnomAD. At this time, the clinical significance of this variant is uncertain due to the absence of conclusive functional and genetic evidence.